The following is an entry in ClinVar:

ClinVar aggregate classification (germline): Uncertain significance (1 of 4 stars; one submission).

Conditions:
Chuvash polycythemia. Also called: POLYCYTHEMIA, VHL-DEPENDENT. Identifiers: Orphanet 238557, MedGen C1837915, MONDO:0009892, OMIM 263400.
Von Hippel-Lindau syndrome (VHLS). Also called: Von Hippel-Lindau; von Hippel–Lindau syndrome; VHL syndrome. Identifiers: Orphanet 892, MedGen C0019562, MONDO:0008667, OMIM 193300. Disease mechanism: loss of function.

Submission:

Labcorp Genetics (formerly Invitae), Labcorp
Classification: Uncertain significance for Von Hippel-Lindau syndrome; Chuvash polycythemia. Last evaluated: 2025-04-21. Review status: criteria provided, single submitter. Criteria: Invitae Variant Classification Sherloc (09022015). Collection method: clinical testing. Allele origin: germline.
Comment: This sequence change falls in intron 1 of the VHL gene. It is not expected to change the encoded amino acid sequence of the VHL protein. However, this sequence change falls within a cryptic exon in the VHL gene, known as exon E1’, which is naturally expressed at low levels in several human tissues (PMID: 29891534). This variant is not present in population databases (gnomAD no frequency). This variant has not been reported in the literature in individuals affected with VHL-related conditions. ClinVar contains an entry for this variant (Variation ID: 3750572). Algorithms developed to predict the effect of sequence changes on RNA splicing suggest that this variant is not likely to affect RNA splicing. In summary, the available evidence is currently insufficient to determine the role of this variant in disease. Therefore, it has been classified as a Variant of Uncertain Significance.

Literature cited by the submitters: PubMed 29891534.

NM_000551.4(VHL):c.340+582T>C

Genes: VHL (von Hippel-Lindau tumor suppressor; plus strand), LOC107303340 (3p25 von Hippel-Lindau tumor suppressor, E3 ubiquitin protein ligase Alu-mediated recombination region; plus strand). Cytogenetic location: 3p25.3.
Variant type: single nucleotide variant.
Coding change: c.340+582T>C on transcript NM_000551.4 (MANE Select); 582 bases into the intron after coding-DNA position 340, T replaced by C.
Molecular consequence: intron variant. On other transcripts: missense variant (1), non-coding transcript variant (1).
Genome position (GRCh38, 1-based): chr3:10,142,769, T>C. VCF-style: chr3-10142769-T-C. GRCh37 (hg19) VCF-style: chr3-10184453-T-C.
Other names: c.347T>C, p.Met116Thr (NM_001354723.2); c.340+582T>C (NM_198156.3); short protein forms M116T.
Identifiers: ClinVar variation 3750572 (VCV003750572.2).